The following is an entry in ClinVar:

ClinVar aggregate classification (germline): Uncertain significance (1 of 4 stars; one submission).

Submission:

GeneDx
Classification: Uncertain significance. Last evaluated: 2019-09-24. Review status: criteria provided, single submitter. Criteria: GeneDx Variant Classification Process June 2021. Collection method: clinical testing. Allele origin: germline. Affected: yes.
Comment: Has not been previously published as pathogenic or benign to our knowledge; Not observed in large population cohorts (Lek et al., 2016); In silico analysis, which includes protein predictors and evolutionary conservation, supports a deleterious effect; This substitution is predicted to be within the cytoplasmic loop between the second and third homologous domains; The majority of missense variants in this gene are considered pathogenic (Stenson et al., 2014)

NM_001165963.4(SCN1A):c.3457G>A (p.Glu1153Lys)

Genes: SCN1A (sodium voltage-gated channel alpha subunit 1; minus strand), LOC102724058 (uncharacterized LOC102724058; plus strand). Cytogenetic location: 2q24.3.
Variant type: single nucleotide variant.
Coding change: c.3457G>A on transcript NM_001165963.4 (MANE Select); coding-DNA position 3457, G replaced by A.
Protein change: p.Glu1153Lys; replaces glutamic acid 1153 with lysine.
Molecular consequence: missense variant. On other transcripts: non-coding transcript variant (2).
Genome position (GRCh38, 1-based): chr2:166,015,700, C>T on the plus strand (G>A on the coding strand, the complement: SCN1A is on the minus strand). VCF-style: chr2-166015700-C-T. GRCh37 (hg19) VCF-style: chr2-166872210-C-T.
Other names: c.3373G>A, p.Glu1125Lys (NM_001165964.3, NM_001353957.2, NM_001353958.2); c.3457G>A, p.Glu1153Lys (NM_001202435.3, NM_001353948.2); c.3424G>A, p.Glu1142Lys (NM_001353949.2, NM_001353950.2, NM_001353951.2 and 2 more transcripts); c.3421G>A, p.Glu1141Lys (NM_001353954.2, NM_001353955.2); c.3370G>A, p.Glu1124Lys (NM_001353960.2); c.1015G>A, p.Glu339Lys (NM_001353961.2); short protein forms E1124K, E1125K, E1141K, E1142K, E1153K, E339K.
Identifiers: ClinVar variation 1312248 (VCV001312248.2), dbSNP rs1553534233, ClinGen allele CA349056785.